The following is an entry in ClinVar:

NM_017433.5(MYO3A):c.1171-10T>C

Gene: MYO3A (myosin IIIA; plus strand). Cytogenetic location: 10p12.1.
Variant type: single nucleotide variant.
Coding change: c.1171-10T>C on transcript NM_017433.5 (MANE Select); 10 bases into the intron before coding-DNA position 1171, T replaced by C.
Molecular consequence: intron variant.
Genome position (GRCh38, 1-based): chr10:26,070,101, T>C. VCF-style: chr10-26070101-T-C. GRCh37 (hg19) VCF-style: chr10-26359030-T-C.
Identifiers: ClinVar variation 1305728 (VCV001305728.2), dbSNP rs2131387204, ClinGen allele CA2573053261.

ClinVar aggregate classification (germline): Uncertain significance (1 of 4 stars; one submission).

Submission:

GeneDx
Classification: Uncertain significance. Last evaluated: 2019-05-10. Review status: criteria provided, single submitter. Criteria: GeneDx Variant Classification Process June 2021. Collection method: clinical testing. Allele origin: germline. Affected: yes.
Comment: Not observed in large population cohorts (Lek et al., 2016); In-silico analysis, which includes splice predictors and evolutionary conservation, is inconclusive as to whether the variant alters gene splicing. In the absence of RNA/functional studies, the actual effect of this sequence change is unknown.; Has not been previously published as pathogenic or benign to our knowledge